The following is an entry in ClinVar:

ClinVar aggregate classification (germline): Uncertain significance (1 of 4 stars; one submission).

Allele frequency attached by ClinVar (database versions not stated): gnomAD 0.00001; gnomAD exomes 0.00002; TOPMed 0.00002; 1000 Genomes Project 30x 0.00031; 1000 Genomes Project 0.00040.

Submission:

Labcorp Genetics (formerly Invitae), Labcorp
Classification: Uncertain significance. Last evaluated: 2025-02-17. Review status: criteria provided, single submitter. Criteria: Invitae Variant Classification Sherloc (09022015). Collection method: clinical testing. Allele origin: germline.
Comment: This sequence change replaces arginine, which is basic and polar, with histidine, which is basic and polar, at codon 89 of the FSCN2 protein (p.Arg89His). The frequency data for this variant in the population databases is considered unreliable, as metrics indicate poor data quality at this position in the gnomAD database. This variant has not been reported in the literature in individuals affected with FSCN2-related conditions. ClinVar contains an entry for this variant (Variation ID: 1446420). An algorithm developed to predict the effect of missense changes on protein structure and function (PolyPhen-2) suggests that this variant is likely to be disruptive. In summary, the available evidence is currently insufficient to determine the role of this variant in disease. Therefore, it has been classified as a Variant of Uncertain Significance.

NM_012418.4(FSCN2):c.266G>A (p.Arg89His)

Gene: FSCN2 (fascin actin-bundling protein 2, retinal; plus strand). Cytogenetic location: 17q25.3.
Variant type: single nucleotide variant.
Coding change: c.266G>A on transcript NM_012418.4 (MANE Select); coding-DNA position 266, G replaced by A.
Protein change: p.Arg89His; replaces arginine 89 with histidine.
Molecular consequence: missense variant.
Genome position (GRCh38, 1-based): chr17:81,528,797, G>A. VCF-style: chr17-81528797-G-A. GRCh37 (hg19) VCF-style: chr17-79495823-G-A.
Other names: c.266G>A, p.Arg89His (NM_001077182.3); short protein forms R89H.
Identifiers: ClinVar variation 1446420 (VCV001446420.8), dbSNP rs529520855, ClinGen allele CA295078487.